The following is an entry in ClinVar:

ClinVar aggregate classification (germline): Uncertain significance. Review status: criteria provided, multiple submitters, no conflicts (2 of 4 stars). 2 submissions from 2 submitters: Uncertain significance (2). Last evaluated 2021-08-26.

Conditions:
Fanconi anemia (FA). Also called: Fanconi's anemia. Identifiers: Orphanet 84, MedGen C0015625, MeSH D005199, MONDO:0019391.
Fanconi anemia complementation group A (FANCA). Also called: FANCA-Related Fanconi Anemia; Fanconi anemia, group A. Identifiers: Orphanet 84, MedGen C3469521, MONDO:0009215, OMIM 227650.

gnomAD v4.1: 3 of 1,613,944 alleles (0.00019%); highest among the groups gnomAD compares: Middle Eastern, 0.016%; no homozygotes.

Submissions (2):

Labcorp Genetics (formerly Invitae), Labcorp
Classification: Uncertain significance for Fanconi anemia. Last evaluated: 2021-08-26. Review status: criteria provided, single submitter. Criteria: Invitae Variant Classification Sherloc (09022015). Collection method: clinical testing. Allele origin: germline.
Comment: This sequence change falls in intron 20 of the FANCA gene. It does not directly change the encoded amino acid sequence of the FANCA protein. It affects a nucleotide within the consensus splice site of the intron. This variant is not present in population databases (ExAC no frequency). This variant has not been reported in the literature in individuals affected with FANCA-related conditions. Variants that disrupt the consensus splice site are a relatively common cause of aberrant splicing (PMID: 17576681, 9536098). Algorithms developed to predict the effect of sequence changes on RNA splicing suggest that this variant is not likely to affect RNA splicing. In summary, the available evidence is currently insufficient to determine the role of this variant in disease. Therefore, it has been classified as a Variant of Uncertain Significance.

Illumina Laboratory Services, Illumina
Classification: Uncertain significance for Fanconi anemia complementation group A. Last evaluated: 2018-03-30. Review status: criteria provided, single submitter. Criteria: ICSL Variant Classification Criteria 13 December 2019. Collection method: clinical testing. Allele origin: germline.

Literature cited by the submitters: PubMed 17576681 (cited by Labcorp Genetics (formerly Invitae), Labcorp); PubMed 9536098 (cited by Labcorp Genetics (formerly Invitae), Labcorp).

NM_000135.4(FANCA):c.1826+4T>A

Gene: FANCA (FA complementation group A; minus strand). Cytogenetic location: 16q24.3.
Variant type: single nucleotide variant.
Coding change: c.1826+4T>A on transcript NM_000135.4 (MANE Select); 4 bases into the intron after coding-DNA position 1826, T replaced by A.
Molecular consequence: intron variant.
Genome position (GRCh38, 1-based): chr16:89,778,797, A>T on the plus strand (T>A on the coding strand, the complement: FANCA is on the minus strand). VCF-style: chr16-89778797-A-T. GRCh37 (hg19) VCF-style: chr16-89845205-A-T.
Other names: c.1826+4T>A (NM_001286167.3).
Identifiers: ClinVar variation 887622 (VCV000887622.10), dbSNP rs979666807, ClinGen allele CA1139665019.